The following is an entry in ClinVar:

NM_015506.3(MMACHC):c.292C>T (p.Gln98Ter)

Gene: MMACHC (metabolism of cobalamin associated C; plus strand). Cytogenetic location: 1p34.1.
Variant type: single nucleotide variant.
Coding change: c.292C>T on transcript NM_015506.3 (MANE Select); coding-DNA position 292, C replaced by T.
Protein change: p.Gln98Ter; replaces glutamine 98 with a stop codon.
Molecular consequence: nonsense.
Genome position (GRCh38, 1-based): chr1:45,508,227, C>T. VCF-style: chr1-45508227-C-T. GRCh37 (hg19) VCF-style: chr1-45973899-C-T.
Other names: c.121C>T, p.Gln41Ter (NM_001330540.2); short protein forms Q98*, Q41*.
Identifiers: ClinVar variation 501284 (VCV000501284.21), dbSNP rs759188647, ClinGen allele CA827696.

ClinVar aggregate classification (germline): Pathogenic/Likely pathogenic. Review status: criteria provided, multiple submitters, no conflicts (2 of 4 stars). 6 submissions from 6 submitters: Pathogenic (4); Likely pathogenic (2). Last evaluated 2024-11-20.

Conditions:
Cobalamin C disease. Also called: Methylmalonic aciduria and homocystinuria, Vitamin B12-responsive; Vitamin B12 metabolic defect with combined deficiency of methylmalonyl-CoA mutase and homocysteine:methyltetrahydrofolate methyltransferase; methylmalonic aciduria and homocystinuria type cblC; Methylmalonic aciduria with homocystinuria cblC type; Cobalamin-C methylmalonic acidemia and homocystinuria; Methylmalonic acidemia and homocystinuria cblC type. Identifiers: Orphanet 26, Orphanet 79282, MedGen C1848561, MONDO:0010184, OMIM 277400.
MMACHC-related disorder. Also called: MMACHC-related condition.

Allele frequency attached by ClinVar (database versions not stated): gnomAD exomes below 0.00001 and 0.00001; ExAC 0.00001.
gnomAD v4.1: 2 of 1,614,188 alleles (0.00012%); highest among the groups gnomAD compares: Admixed American, 0.0033%; no homozygotes.

Submissions (6):

Natera, Inc.
Classification: Likely pathogenic for Methylmalonic aciduria and homocystinuria cblC type. Last evaluated: 2024-11-20. Review status: criteria provided, single submitter. Criteria: Natera Variant Classification Schema (03/2026). Collection method: clinical testing. Allele origin: germline.
Comment: The c.292C>T variant in MMACHC is a nonsense variant predicted to introduce a stop codon at amino acid 98. This variant is expected to result in nonsense mediated decay, truncation, or a dysfunctional protein product. This variant is rare in the general population with a frequency below the threshold expected for the associated phenotype(s). Given the available evidence, this variant is classified as Likely Pathogenic.

Labcorp Genetics (formerly Invitae), Labcorp
Classification: Pathogenic for Cobalamin C disease. Last evaluated: 2024-11-05. Review status: criteria provided, single submitter. Criteria: Invitae Variant Classification Sherloc (09022015). Collection method: clinical testing. Allele origin: germline.
Comment: This sequence change creates a premature translational stop signal (p.Gln98*) in the MMACHC gene. It is expected to result in an absent or disrupted protein product. Loss-of-function variants in MMACHC are known to be pathogenic (PMID: 16311595). This variant is present in population databases (rs759188647, gnomAD 0.006%). This variant has not been reported in the literature in individuals affected with MMACHC-related conditions. ClinVar contains an entry for this variant (Variation ID: 501284). For these reasons, this variant has been classified as Pathogenic.

Fulgent Genetics
Classification: Pathogenic for Cobalamin C disease. Last evaluated: 2024-06-03. Review status: criteria provided, single submitter. Criteria: ACMG Guidelines, 2015. Collection method: clinical testing. Allele origin: germline.

Genome-Nilou Lab
Classification: Pathogenic for Cobalamin C disease. Last evaluated: 2023-04-11. Review status: criteria provided, single submitter. Criteria: ACMG Guidelines, 2015. Collection method: clinical testing. Allele origin: germline. Affected: no.

Blueprint Genetics
Classification: Likely pathogenic for MMACHC-related disorders. Last evaluated: 2020-10-02. Review status: criteria provided, single submitter. Criteria: ACMG Guidelines, 2015. Collection method: clinical testing. Allele origin: germline. Affected: yes. Observed: 1 variant allele.

Eurofins Ntd Llc (ga)
Classification: Pathogenic. Last evaluated: 2017-04-05. Review status: criteria provided, single submitter. Criteria: EGL Classification Definitions 2015. Collection method: clinical testing. Allele origin: germline. Observed: 1 variant allele, 1 heterozygote.

Literature cited by the submitters: PubMed 16311595 (cited by Labcorp Genetics (formerly Invitae), Labcorp); PubMed 23954310 (cited by Eurofins Ntd Llc (ga)).